The following is an entry in ClinVar:

ClinVar aggregate classification (germline): Likely pathogenic. Review status: criteria provided, multiple submitters, no conflicts (2 of 4 stars). 4 submissions from 4 submitters: Likely pathogenic (4). Last evaluated 2025-03-04.

Conditions:
Charcot-Marie-Tooth disease type 4C (CMT4C). Also called: CHARCOT-MARIE-TOOTH DISEASE, DEMYELINATING, TYPE 4C; Charcot-Marie-Tooth Neuropathy Type 4C (CMT4C); CHARCOT-MARIE-TOOTH DISEASE, DEMYELINATING, AUTOSOMAL RECESSIVE, TYPE 4C; CMT 4C; SH3TC2-Related Hereditary Motor and Sensory Neuropathy. Identifiers: Orphanet 99949, MedGen C1866636, MONDO:0011113, OMIM 601596.
Charcot-Marie-Tooth disease type 4. Also called: Charcot-Marie-Tooth disease, type IV; Charcot-Marie-Tooth, Type 4. Identifiers: Orphanet 64749, MedGen C4082197, MONDO:0018995.

Allele frequency attached by ClinVar (database versions not stated): gnomAD 0.00001; gnomAD exomes 0.00002 and 0.00003; TOPMed 0.00002; ExAC 0.00006.
gnomAD v4.1: 24 of 1,613,992 alleles (0.0015%); highest among the groups gnomAD compares: East Asian, 0.0045%; no homozygotes.

Submissions (4):

Revvity Omics, Revvity
Classification: Likely pathogenic. Last evaluated: 2025-03-04. Review status: criteria provided, single submitter. Criteria: ACMG Guidelines, 2015. Collection method: clinical testing. Allele origin: germline.

Labcorp Genetics (formerly Invitae), Labcorp
Classification: Likely pathogenic for Charcot-Marie-Tooth disease type 4. Last evaluated: 2024-10-15. Review status: criteria provided, single submitter. Criteria: Invitae Variant Classification Sherloc (09022015). Collection method: clinical testing. Allele origin: germline.
Comment: This sequence change replaces arginine, which is basic and polar, with cysteine, which is neutral and slightly polar, at codon 529 of the SH3TC2 protein (p.Arg529Cys). This variant is present in population databases (rs750529207, gnomAD 0.005%). This variant has not been reported in the literature in individuals affected with SH3TC2-related conditions. ClinVar contains an entry for this variant (Variation ID: 418488). Invitae Evidence Modeling of protein sequence and biophysical properties (such as structural, functional, and spatial information, amino acid conservation, physicochemical variation, residue mobility, and thermodynamic stability) indicates that this missense variant is expected to disrupt SH3TC2 protein function with a positive predictive value of 95%. This variant disrupts the p.Arg529 amino acid residue in SH3TC2. Other variant(s) that disrupt this residue have been determined to be pathogenic (PMID: 14574644, 19744956, 23281072; internal data). This suggests that this residue is clinically significant, and that variants that disrupt this residue are likely to be disease-causing. In summary, the currently available evidence indicates that the variant is pathogenic, but additional data are needed to prove that conclusively. Therefore, this variant has been classified as Likely Pathogenic.

Women's Health and Genetics/Laboratory Corporation of America, LabCorp
Classification: Likely pathogenic for Charcot-Marie-Tooth disease type 4C. Last evaluated: 2024-04-25. Review status: criteria provided, single submitter. Criteria: LabCorp Variant Classification Summary - May 2015. Collection method: clinical testing. Allele origin: germline.
Comment: Variant summary: SH3TC2 c.1585C>T (p.Arg529Cys) results in a non-conservative amino acid change in the encoded protein sequence. Five of five in-silico tools predict a damaging effect of the variant on protein function. The variant allele was found at a frequency of 2.8e-05 in 251308 control chromosomes in the gnomAD database, however in all individuals it was found as a multinucleotide variant in cis with c.1587T>G, which is expected to result in a different amino acid change (p.Arg529Trp). c.1585C>T has been reported in the literature in the homozygous state in individuals affected with and/or with clinical features of Charcot-Marie Disease Type 4C (CMT4C), where the amino acid change was reported as p.Arg529Cys, although the presence/absence of c.1587T>G in cis was not explicitly stated (Kingston_2012, Ek_2023). Additionally, it has also been found in cis with c.1587T>G in two compound heterozygous CMT4C patients who had a pathogenic variant in trans (Arntzen_2018). To our knowledge, no experimental evidence demonstrating an impact on protein function has been reported. However, a different variant affecting the same codon has been classified as pathogenic (c.1586_1587delinsAG, p.Arg529Gln), supporting the critical relevance of codon 529 to SH3TC2 protein function. The following publications have been ascertained in the context of this evaluation (PMID: 30001926, 37273706). ClinVar contains an entry for this variant (Variation ID: 418488). Based on the evidence outlined above, the variant was classified as likely pathogenic.

GeneDx
Classification: Likely pathogenic. Last evaluated: 2013-12-30. Review status: criteria provided, single submitter. Criteria: GeneDx Variant Classification (06012015). Collection method: clinical testing. Allele origin: germline. Affected: yes.
Comment: The Arg529Trp missense change in the SH3TC2 gene has not been published as a pathogenic variant, nor has it been reported as a benign polymorphism to our knowledge. Two other amino acid substitutions at this same position (Arg529Cys and Arg529Gln) have been previously reported in association with CMT4C according to the Human Gene Mutation database. This variant is a non-conservative amino acid substitution of a positively charged Arginine residue with an uncharged, non-polar Tryptophan residue at a position that is conserved across species. In silico analysis predicts this variant is probably damaging to the protein structure/function. Therefore, based on the currently available information, Arg529Trp is a strong candidate for a pathogenic variant, although the possibility that it is a benign variant cannot be excluded.

Literature cited by the submitters: PubMed 14574644 (cited by Labcorp Genetics (formerly Invitae), Labcorp); PubMed 19744956 (cited by Labcorp Genetics (formerly Invitae), Labcorp); PubMed 23281072 (cited by Labcorp Genetics (formerly Invitae), Labcorp); PubMed 37273706 (cited by Women's Health and Genetics/Laboratory Corporation of America, LabCorp); PubMed 30001926 (cited by Women's Health and Genetics/Laboratory Corporation of America, LabCorp).

NM_024577.4(SH3TC2):c.1585C>T (p.Arg529Cys)

Gene: SH3TC2 (SH3 domain and tetratricopeptide repeats 2; minus strand). Cytogenetic location: 5q32.
Variant type: single nucleotide variant.
Coding change: c.1585C>T on transcript NM_024577.4 (MANE Select); coding-DNA position 1585, C replaced by T.
Protein change: p.Arg529Cys; replaces arginine 529 with cysteine.
Molecular consequence: missense variant.
Genome position (GRCh38, 1-based): chr5:149,028,147, G>A on the plus strand (C>T on the coding strand, the complement: SH3TC2 is on the minus strand). VCF-style: chr5-149028147-G-A. GRCh37 (hg19) VCF-style: chr5-148407710-G-A.
Other names: short protein forms R529C.
Identifiers: ClinVar variation 418488 (VCV000418488.13), dbSNP rs750529207, ClinGen allele CA3499152.